The following is an entry in ClinVar:

ClinVar aggregate classification (germline): Likely pathogenic (1 of 4 stars; one submission).

Submission:

Quest Diagnostics Nichols Institute San Juan Capistrano
Classification: Likely pathogenic. Last evaluated: 2023-12-15. Review status: criteria provided, single submitter. Criteria: Quest Diagnostics criteria. Collection method: clinical testing. Allele origin: unknown.
Comment: This test has identified one copy of the c.1776del (p.Tyr592*) variant in the BRCA2 gene. This variant is predicted to cause the premature termination of BRCA2 protein synthesis. To the best of our knowledge, this variant has not been reported in the published literature. It also has not been reported in large, multi-ethnic general populations (Genome Aggregation Database). Based on the available information, this variant is classified as likely pathogenic.

NM_000059.4(BRCA2):c.1776del (p.Ile591_Tyr592insTer)

Gene: BRCA2 (BRCA2 DNA repair associated; plus strand). Cytogenetic location: 13q13.1.
Variant type: Deletion.
Coding change: c.1776del on transcript NM_000059.4 (MANE Select); coding-DNA position 1776, one base deleted (T; older notation c.1776delT).
Protein change: p.Ile591_Tyr592insTer.
Molecular consequence: nonsense. On other transcripts: frameshift variant (1), non-coding transcript variant (1), intron variant (1).
Genome position (GRCh38, 1-based): chr13:32,333,254, T deleted. VCF-style (leftmost placement, unchanged base first): chr13-32333253-AT-A. GRCh37 (hg19) VCF-style: chr13-32907390-AT-A.
Other names: c.1776delT, p.Tyr592Terfs (NM_000059.3); c.1776del, p.Ile591_Tyr592insTer (NM_001406719.1, NM_001406720.1, NM_001406721.1 and 1 more transcripts); c.424+2224del (NM_001406722.1).
Identifiers: ClinVar variation 3572343 (VCV003572343.1).